The following is an entry in ClinVar:

NM_004329.3(BMPR1A):c.152C>T (p.Ala51Val)

Gene: BMPR1A (bone morphogenetic protein receptor type 1A; plus strand). Cytogenetic location: 10q23.2.
Variant type: single nucleotide variant.
Coding change: c.152C>T on transcript NM_004329.3 (MANE Select); coding-DNA position 152, C replaced by T.
Protein change: p.Ala51Val; replaces alanine 51 with valine.
Molecular consequence: missense variant. On other transcripts: non-coding transcript variant (3).
Genome position (GRCh38, 1-based): chr10:86,890,146, C>T. VCF-style: chr10-86890146-C-T. GRCh37 (hg19) VCF-style: chr10-88649903-C-T.
Other names: c.152C>T, p.Ala51Val (NM_001406568.1, NM_001406569.1, NM_001406570.1 and 23 more transcripts); c.68C>T, p.Ala23Val (NM_001406584.1, NM_001406585.1, NM_001406586.1 and 2 more transcripts); short protein forms A51V, A23V.
Identifiers: ClinVar variation 3636951 (VCV003636951.3).
Genomic context (GRCh38, chr10:86,890,146, plus strand): 5'-ATGGCACTGGGATGAAATCAGACTCCGACCAGAAAAAGTCAGAAAATGGAGTAACCTTAG[C>T]ACCAGAGGATACCTTGCCTTTTTTAAAGTGCTATTGCTCAGGGCACTGTCCAGATGATGC-3'
Protein context (NP_004320.2, residues 41-61): QKKSENGVTL[Ala51Val]PEDTLPFLKC

ClinVar aggregate classification (germline): Uncertain significance. Review status: criteria provided, multiple submitters, no conflicts (2 of 4 stars). 2 submissions from 2 submitters: Uncertain significance (2). Last evaluated 2026-07-06.

Conditions:
Hereditary cancer-predisposing syndrome. Also called: Hereditary neoplastic syndrome; Neoplastic Syndromes, Hereditary; Tumor predisposition; Hereditary Cancer Syndrome. Identifiers: Orphanet 140162, MedGen C0027672, MeSH D009386, MONDO:0015356.
Juvenile polyposis syndrome (JPS). Identifiers: Orphanet 2929, MedGen C0345893, MONDO:0017380, OMIM 174900.

Submissions (2):

Ambry Genetics
Classification: Uncertain significance for Hereditary cancer-predisposing syndrome. Last evaluated: 2026-07-06. Review status: criteria provided, single submitter. Criteria: Ambry Variant Classification Scheme 2023. Collection method: clinical testing. Allele origin: germline.
Comment: The p.A51V variant (also known as c.152C>T), located in coding exon 2 of the BMPR1A gene, results from a C to T substitution at nucleotide position 152. The alanine at codon 51 is replaced by valine, an amino acid with similar properties. This amino acid position is conserved. In addition, the in silico prediction for this alteration is inconclusive. Based on the available evidence, the clinical significance of this variant remains unclear.

Labcorp Genetics (formerly Invitae), Labcorp
Classification: Uncertain significance for Juvenile polyposis syndrome. Last evaluated: 2024-08-27. Review status: criteria provided, single submitter. Criteria: Invitae Variant Classification Sherloc (09022015). Collection method: clinical testing. Allele origin: germline.
Comment: This sequence change replaces alanine, which is neutral and non-polar, with valine, which is neutral and non-polar, at codon 51 of the BMPR1A protein (p.Ala51Val). This variant is not present in population databases (gnomAD no frequency). This variant has not been reported in the literature in individuals affected with BMPR1A-related conditions. Invitae Evidence Modeling of protein sequence and biophysical properties (such as structural, functional, and spatial information, amino acid conservation, physicochemical variation, residue mobility, and thermodynamic stability) indicates that this missense variant is not expected to disrupt BMPR1A protein function with a negative predictive value of 95%. In summary, the available evidence is currently insufficient to determine the role of this variant in disease. Therefore, it has been classified as a Variant of Uncertain Significance.